The following is an entry in ClinVar:

NM_001134407.3(GRIN2A):c.4001G>A (p.Ser1334Asn)

Gene: GRIN2A (glutamate ionotropic receptor NMDA type subunit 2A; minus strand). Cytogenetic location: 16p13.2.
Variant type: single nucleotide variant.
Coding change: c.4001G>A on transcript NM_001134407.3 (MANE Select); coding-DNA position 4001, G replaced by A.
Protein change: p.Ser1334Asn; replaces serine 1334 with asparagine.
Molecular consequence: missense variant. On other transcripts: intron variant (1).
Genome position (GRCh38, 1-based): chr16:9,763,543, C>T on the plus strand (G>A on the coding strand, the complement: GRIN2A is on the minus strand). VCF-style: chr16-9763543-C-T. GRCh37 (hg19) VCF-style: chr16-9857400-C-T.
Other names: c.4001G>A, p.Ser1334Asn (NM_000833.5); c.3773-115G>A (NM_001134408.2); short protein forms S1334N.
Identifiers: ClinVar variation 3693717 (VCV003693717.2).

ClinVar aggregate classification (germline): Uncertain significance (1 of 4 stars; one submission).

Conditions:
Landau-Kleffner syndrome (FESD). Also called: EPILEPSY, FOCAL, WITH SPEECH DISORDER AND WITH OR WITHOUT MENTAL RETARDATION; APHASIA, ACQUIRED, WITH EPILEPSY. Identifiers: Orphanet 1945, Orphanet 725, Orphanet 98818, MedGen C0282512, MONDO:0009509, OMIM 245570.

Submission:

Labcorp Genetics (formerly Invitae), Labcorp
Classification: Uncertain significance for Landau-Kleffner syndrome. Last evaluated: 2024-07-31. Review status: criteria provided, single submitter. Criteria: Invitae Variant Classification Sherloc (09022015). Collection method: clinical testing. Allele origin: germline.
Comment: This sequence change replaces serine, which is neutral and polar, with asparagine, which is neutral and polar, at codon 1334 of the GRIN2A protein (p.Ser1334Asn). This variant is not present in population databases (gnomAD no frequency). This variant has not been reported in the literature in individuals affected with GRIN2A-related conditions. Advanced modeling of protein sequence and biophysical properties (such as structural, functional, and spatial information, amino acid conservation, physicochemical variation, residue mobility, and thermodynamic stability) performed at Invitae indicates that this missense variant is not expected to disrupt GRIN2A protein function with a negative predictive value of 95%. In summary, the available evidence is currently insufficient to determine the role of this variant in disease. Therefore, it has been classified as a Variant of Uncertain Significance.